The following is an entry in ClinVar:

ClinVar aggregate classification (germline): Pathogenic (1 of 4 stars; one submission).

Conditions:
Ehlers-Danlos syndrome, dermatosparaxis type. Also called: EDS VIIC; Dermatosparaxis; Ehlers-Danlos syndrome, type VII, autosomal recessive. Identifiers: Orphanet 1901, MedGen C2700425, MONDO:0009161, OMIM 225410.

Submission:

Myriad Genetics, Inc.
Classification: Pathogenic for Ehlers-Danlos syndrome, dermatosparaxis type. Last evaluated: 2024-05-14. Review status: criteria provided, single submitter. Criteria: Myriad Autosomal Dominant, Autosomal Recessive and X-Linked Classification Criteria (2023). Collection method: clinical testing. Allele origin: unknown.
Comment: NM_014244.4(ADAMTS2):c.6_8delTCCinsG(D2Efs*63) is expected to be pathogenic in the context of Ehlers-Danlos syndrome, ADAMTS2-related. This variant is predicted to lead to an abnormal or absent protein product due to the creation of a premature termination codon in ADAMTS2, a gene where loss-of-function variants are known to be pathogenic. Please note: this variant was assessed in the context of healthy population screening.

NM_014244.5(ADAMTS2):c.6_8delinsG (p.Asp2fs)

Gene: ADAMTS2 (ADAM metallopeptidase with thrombospondin type 1 motif 2; minus strand). Cytogenetic location: 5q35.3.
Variant type: Indel.
Coding change: c.6_8delinsG on transcript NM_014244.5 (MANE Select); coding-DNA positions 6 to 8, TCC replaced by G.
Protein change: p.Asp2fs; shifts the reading frame from aspartic acid 2.
Molecular consequence: frameshift variant.
Genome position (GRCh38, 1-based): chr5:179,345,321-179,345,323, GGA replaced by C on the plus strand (TCC replaced by G on the coding strand, the reverse complement: ADAMTS2 is on the minus strand). VCF-style: chr5-179345321-GGA-C. GRCh37 (hg19) VCF-style: chr5-178772322-GGA-C.
Other names: c.6_8delinsG, p.Asp2fs (NM_021599.4); short protein forms D2fs.
Identifiers: ClinVar variation 5016346 (VCV005016346.1).
Genomic context (GRCh38, chr5:179,345,321, plus strand): 5'-AGCAGCAGCAGCAGCAGCAGCAGCGCGGGGCAGAGCAGGCGGCGAGCGGCTCCCGCCGGC[GGA>C]TCCATGGCAGCCGGACTGCAGCCGGGGCCCCGCACTCGCAGCCGGCGCGAAAGTTCCCCG-3'